The following is an entry in ClinVar:

ClinVar aggregate classification (germline): Pathogenic (1 of 4 stars; one submission).

Submission:

GeneDx
Classification: Pathogenic. Last evaluated: 2024-05-29. Review status: criteria provided, single submitter. Criteria: GeneDx Variant Classification Process June 2021. Collection method: clinical testing. Allele origin: germline. Affected: yes.
Comment: Frameshift variant predicted to result in protein truncation or nonsense mediated decay in a gene for which loss-of-function is a known mechanism of disease; Not observed at significant frequency in large population cohorts (gnomAD); Has not been previously published as pathogenic or benign to our knowledge

NM_001318852.2(MAPK8IP3):c.3334_3335del (p.Leu1112fs)

Gene: MAPK8IP3 (mitogen-activated protein kinase 8 interacting protein 3; plus strand). Cytogenetic location: 16p13.3.
Variant type: Deletion.
Coding change: c.3334_3335del on transcript NM_001318852.2 (MANE Select); coding-DNA positions 3334 to 3335, 2 bases deleted (CT; older notation c.3334_3335delCT).
Protein change: p.Leu1112fs; shifts the reading frame from leucine 1112.
Molecular consequence: frameshift variant.
Genome position (GRCh38, 1-based): chr16:1,767,660-1,767,661, CT deleted. VCF-style (leftmost placement, unchanged base first): chr16-1767659-CCT-C. GRCh37 (hg19) VCF-style: chr16-1817660-CCT-C.
Other names: c.3313_3314del, p.Leu1105fs (NM_001040439.2); c.3331_3332del, p.Leu1111fs (NM_015133.5); short protein forms L1105fs, L1111fs, L1112fs.
Identifiers: ClinVar variation 3383490 (VCV003383490.1).